The following is an entry in ClinVar:

NM_001277313.2(FMN1):c.3161A>G (p.Lys1054Arg)

Gene: FMN1 (formin 1; minus strand). Cytogenetic location: 15q13.3.
Variant type: single nucleotide variant.
Coding change: c.3161A>G on transcript NM_001277313.2 (MANE Select); coding-DNA position 3161, A replaced by G.
Protein change: p.Lys1054Arg; replaces lysine 1054 with arginine.
Molecular consequence: missense variant.
Genome position (GRCh38, 1-based): chr15:32,926,239, T>C on the plus strand (A>G on the coding strand, the complement: FMN1 is on the minus strand). VCF-style: chr15-32926239-T-C. GRCh37 (hg19) VCF-style: chr15-33218440-T-C.
Other names: c.2492A>G, p.Lys831Arg (NM_001103184.4); short protein forms K831R, K1054R.
Identifiers: ClinVar variation 2918373 (VCV002918373.2), dbSNP rs141556608, ClinGen allele CA7456725.

ClinVar aggregate classification (germline): Uncertain significance (1 of 4 stars; one submission).

Allele frequency attached by ClinVar (database versions not stated): gnomAD exomes 0.00006; ESP Exome Variant Server 0.00009; ExAC 0.00017; 1000 Genomes Project 0.00040; 1000 Genomes Project 30x 0.00047; gnomAD 0.00062; TOPMed 0.00068.
gnomAD v4.1: 174 of 1,554,648 alleles (0.011%); highest among the groups gnomAD compares: African/African-American, 0.22%; no homozygotes.

Submission:

Labcorp Genetics (formerly Invitae), Labcorp
Classification: Uncertain significance. Last evaluated: 2024-09-06. Review status: criteria provided, single submitter. Criteria: Invitae Variant Classification Sherloc (09022015). Collection method: clinical testing. Allele origin: germline.
Comment: This sequence change replaces lysine, which is basic and polar, with arginine, which is basic and polar, at codon 831 of the FMN1 protein (p.Lys831Arg). This variant is present in population databases (rs141556608, gnomAD 0.2%), and has an allele count higher than expected for a pathogenic variant. This variant has not been reported in the literature in individuals affected with FMN1-related conditions. An algorithm developed to predict the effect of missense changes on protein structure and function (PolyPhen-2) suggests that this variant is likely to be disruptive. In summary, the available evidence is currently insufficient to determine the role of this variant in disease. Therefore, it has been classified as a Variant of Uncertain Significance.